The following is an entry in ClinVar:

ClinVar aggregate classification (germline): Benign/Likely benign. Review status: criteria provided, multiple submitters, no conflicts (2 of 4 stars). 2 submissions from 2 submitters: Benign (1); Likely benign (1). Last evaluated 2021-12-21.

Conditions:
Hereditary motor and sensory neuropathy with optic atrophy. Also called: PERIPHERAL NEUROPATHY AND OPTIC ATROPHY; CHARCOT-MARIE-TOOTH DISEASE, TYPE 6. Identifiers: Orphanet 90120, MedGen C0393807, MONDO:0019551.

Allele frequency attached by ClinVar (database versions not stated): gnomAD 0.01457 and 0.01549; 1000 Genomes Project 30x 0.01780; 1000 Genomes Project 0.01677; TOPMed 0.01558.

Submissions (2):

GeneDx
Classification: Likely benign. Last evaluated: 2021-12-21. Review status: criteria provided, single submitter. Criteria: GeneDx Variant Classification Process June 2021. Collection method: clinical testing. Allele origin: germline. Affected: yes.
Comment: See Variant Classification Assertion Criteria.

Illumina Laboratory Services, Illumina
Classification: Benign for Neuropathy, hereditary motor and sensory, type 6A. Last evaluated: 2018-01-13. Review status: criteria provided, single submitter. Criteria: ICSL Variant Classification Criteria 13 December 2019. Collection method: clinical testing. Allele origin: germline.
Comment: This variant was observed in the ICSL laboratory as part of a predisposition screen in an ostensibly healthy population. It had not been previously curated by ICSL or reported in the Human Gene Mutation Database (HGMD: prior to June 1st, 2018), and was therefore a candidate for classification through an automated scoring system. Utilizing variant allele frequency, disease prevalence and penetrance estimates, and inheritance mode, an automated score was calculated to assess if this variant is too frequent to cause the disease. Based on the score and internal cut-off values, a variant classified as benign is not then subjected to further curation. The score for this variant resulted in a classification of benign for this disease.

NM_014874.3(MFN2):c.-287C>T

Gene: MFN2 (mitofusin 2; plus strand). Cytogenetic location: 1p36.22.
Variant type: single nucleotide variant.
Coding change: c.-287C>T on transcript NM_014874.3; 287 bases upstream of the start codon, C replaced by T.
Genome position (GRCh38, 1-based): chr1:11,980,347, C>T. VCF-style: chr1-11980347-C-T. GRCh37 (hg19) VCF-style: chr1-12040404-C-T.
Identifiers: ClinVar variation 292365 (VCV000292365.9), dbSNP rs2180181, ClinGen allele CA10607548.